The following is an entry in ClinVar:

NM_001042413.2(GLIS3):c.1808G>A (p.Gly603Asp)

Gene: GLIS3 (GLIS family zinc finger 3; minus strand). Cytogenetic location: 9p24.2.
Variant type: single nucleotide variant.
Coding change: c.1808G>A on transcript NM_001042413.2 (MANE Select); coding-DNA position 1808, G replaced by A.
Protein change: p.Gly603Asp; replaces glycine 603 with aspartic acid.
Molecular consequence: missense variant.
Genome position (GRCh38, 1-based): chr9:3,937,092, C>T on the plus strand (G>A on the coding strand, the complement: GLIS3 is on the minus strand). VCF-style: chr9-3937092-C-T. GRCh37 (hg19) VCF-style: chr9-3937092-C-T.
Other names: c.1343G>A (NM_152629.3); c.1343G>A, p.Gly448Asp (NM_152629.4); short protein forms G448D, G603D.
Identifiers: ClinVar variation 2052801 (VCV002052801.3), dbSNP rs200631687, ClinGen allele CA4968072.
Genomic context (GRCh38, chr9:3,937,092, plus strand): 5'-TCCAGATGCGTCCGCTGGTGTTTGGCGCGGTCACTGGAGTTACTGAAGGCCTTCTGACAA[C>T]CCGGATGCTGGCACAAATACGGCTTCTCGCCTGTGTGGCTCCGCAAGTGGATCTTGAGAT-3'
Protein context (NP_001035878.1, residues 593-613): GEKPYLCQHP[Gly603Asp]CQKAFSNSSD

ClinVar aggregate classification (germline): Uncertain significance. Review status: criteria provided, multiple submitters, no conflicts (2 of 4 stars). 3 submissions from 3 submitters: Uncertain significance (3). Last evaluated 2025-09-10.

Conditions:
Inborn genetic diseases. Identifiers: MedGen C0950123, MeSH D030342.

Allele frequency attached by ClinVar (database versions not stated): gnomAD exomes 0.00002; TOPMed 0.00006; gnomAD 0.00010; ExAC 0.00012; 1000 Genomes Project 30x 0.00078; 1000 Genomes Project 0.00100.
gnomAD v4.1: 63 of 1,613,946 alleles (0.0039%); highest among the groups gnomAD compares: East Asian, 0.076%; no homozygotes.

Submissions (3):

Ambry Genetics
Classification: Uncertain significance for Inborn genetic diseases. Last evaluated: 2025-09-10. Review status: criteria provided, single submitter. Criteria: Ambry Variant Classification Scheme 2023. Collection method: clinical testing. Allele origin: germline.

GeneDx
Classification: Uncertain significance. Last evaluated: 2024-07-16. Review status: criteria provided, single submitter. Criteria: GeneDx Variant Classification Process June 2021. Collection method: clinical testing. Allele origin: germline. Affected: yes.
Comment: In silico analysis supports that this missense variant has a deleterious effect on protein structure/function; Has not been previously published as pathogenic or benign to our knowledge

Labcorp Genetics (formerly Invitae), Labcorp
Classification: Uncertain significance. Last evaluated: 2022-06-25. Review status: criteria provided, single submitter. Criteria: Invitae Variant Classification Sherloc (09022015). Collection method: clinical testing. Allele origin: germline.
Comment: This sequence change replaces glycine, which is neutral and non-polar, with aspartic acid, which is acidic and polar, at codon 448 of the GLIS3 protein (p.Gly448Asp). This variant is present in population databases (rs200631687, gnomAD 0.1%). This variant has not been reported in the literature in individuals affected with GLIS3-related conditions. Algorithms developed to predict the effect of missense changes on protein structure and function (SIFT, PolyPhen-2, Align-GVGD) all suggest that this variant is likely to be disruptive. In summary, the available evidence is currently insufficient to determine the role of this variant in disease. Therefore, it has been classified as a Variant of Uncertain Significance.